The following is an entry in ClinVar:

ClinVar aggregate classification (germline): Uncertain significance (1 of 4 stars; one submission).

gnomAD v4.1: 1 of 1,613,158 alleles (0.000062%); highest among the groups gnomAD compares: East Asian, 0.0022%; no homozygotes.

Submission:

CeGaT Center for Human Genetics Tuebingen
Classification: Uncertain significance. Last evaluated: 2025-02-01. Review status: criteria provided, single submitter. Criteria: CeGaT Center For Human Genetics Tuebingen Variant Classification Criteria Version 2. Collection method: clinical testing. Allele origin: germline. Affected: yes. Observed: 1 variant allele.
Comment: TANC2: PM2:Supporting, BP4

NM_001394998.1(TANC2):c.528C>T (p.Val176=)

Gene: TANC2 (tetratricopeptide repeat, ankyrin repeat and coiled-coil containing 2; plus strand). Cytogenetic location: 17q23.3.
Variant type: single nucleotide variant.
Coding change: c.528C>T on transcript NM_001394998.1 (MANE Select); coding-DNA position 528, C replaced by T.
Protein change: p.Val176=; no amino-acid change (valine 176 retained).
Molecular consequence: synonymous variant.
Genome position (GRCh38, 1-based): chr17:63,194,085, C>T. VCF-style: chr17-63194085-C-T. GRCh37 (hg19) VCF-style: chr17-61271446-C-T.
Other names: c.306C>T, p.Val102= (NM_001411076.1, NM_025185.4).
Identifiers: ClinVar variation 3772563 (VCV003772563.13).